The following is an entry in ClinVar:

NM_012082.4(ZFPM2):c.963T>G (p.Ser321Arg)

Genes: ZFPM2 (zinc finger protein, FOG family member 2; plus strand), ZFPM2-AS1 (ZFPM2 antisense RNA 1; minus strand). Cytogenetic location: 8q23.1.
Variant type: single nucleotide variant.
Coding change: c.963T>G on transcript NM_012082.4 (MANE Select); coding-DNA position 963, T replaced by G.
Protein change: p.Ser321Arg; replaces serine 321 with arginine.
Molecular consequence: missense variant.
Genome position (GRCh38, 1-based): chr8:105,798,947, T>G. VCF-style: chr8-105798947-T-G. GRCh37 (hg19) VCF-style: chr8-106811175-T-G.
Other names: c.804T>G, p.Ser268Arg (NM_001362836.2); c.567T>G, p.Ser189Arg (NM_001362837.2); short protein forms S189R, S268R, S321R.
Identifiers: ClinVar variation 2632458 (VCV002632458.2), dbSNP rs1813919435, ClinGen allele CA371944888.

ClinVar aggregate classification (germline): Uncertain significance. Review status: criteria provided, multiple submitters, no conflicts (2 of 4 stars). 2 submissions from 2 submitters: Uncertain significance (2). Last evaluated 2025-10-02.

Conditions:
Inborn genetic diseases. Identifiers: MedGen C0950123, MeSH D030342.
ZFPM2-related disorder. Also called: ZFPM2-related condition.

Allele frequency attached by ClinVar (database versions not stated): TOPMed below 0.00001.

Submissions (2):

Ambry Genetics
Classification: Uncertain significance for Inborn genetic diseases. Last evaluated: 2025-10-02. Review status: criteria provided, single submitter. Criteria: Ambry Variant Classification Scheme 2023. Collection method: clinical testing. Allele origin: germline.

PreventionGenetics, part of Exact Sciences
Classification: Uncertain significance for ZFPM2-related condition. Last evaluated: 2023-06-27. Review status: criteria provided, single submitter. Criteria: ACMG Guidelines, 2015. Collection method: clinical testing. Allele origin: germline.
Comment: The ZFPM2 c.963T>G variant is predicted to result in the amino acid substitution p.Ser321Arg. To our knowledge, this variant has not been reported in the literature or in a large population database, indicating this variant is rare. At this time, the clinical significance of this variant is uncertain due to the absence of conclusive functional and genetic evidence.